The following is an entry in ClinVar:

ClinVar aggregate classification (germline): Benign/Likely benign. Review status: criteria provided, multiple submitters, no conflicts (2 of 4 stars). 6 submissions from 6 submitters: Benign (3); Likely benign (2). 1 of the submissions does not count toward it. Last evaluated 2026-02-04.

Conditions:
LRP2-related disorder. Also called: LRP2-related condition.
Donnai-Barrow syndrome. Also called: DBS/FOAR SYNDROME; FACIOOCULOACOUSTICORENAL SYNDROME. Identifiers: Orphanet 2143, MedGen C1857277, MONDO:0009104, OMIM 222448.

Allele frequency attached by ClinVar (database versions not stated): gnomAD exomes 0.00033 and 0.00136; gnomAD 0.00051 and 0.00059; TOPMed 0.00075; ExAC 0.00114; 1000 Genomes Project 30x 0.00187; 1000 Genomes Project 0.00220.
gnomAD v4.1: 575 of 1,614,070 alleles (0.036%); highest among the groups gnomAD compares: East Asian, 1.1%; 3 homozygotes.

Submissions (6):

Labcorp Genetics (formerly Invitae), Labcorp
Classification: Benign. Last evaluated: 2026-02-04. Review status: criteria provided, single submitter. Criteria: Invitae Variant Classification Sherloc (09022015). Collection method: clinical testing. Allele origin: germline.

CeGaT Center for Human Genetics Tuebingen
Classification: Likely benign. Last evaluated: 2026-02-01. Review status: criteria provided, single submitter. Criteria: CeGaT Center For Human Genetics Tuebingen Variant Classification Criteria Version 2. Collection method: clinical testing. Allele origin: germline. Affected: yes. Observed: 1 variant allele.
Comment: LRP2: BP4, BP7, BS1

Blueprint Genetics
Classification: Likely benign. Last evaluated: 2024-11-22. Review status: criteria provided, single submitter. Criteria: ACMG Guidelines, 2015. Collection method: clinical testing. Allele origin: germline.

Genome-Nilou Lab
Classification: Benign for Donnai-Barrow syndrome. Last evaluated: 2021-07-15. Review status: criteria provided, single submitter. Criteria: ACMG Guidelines, 2015. Collection method: clinical testing. Allele origin: germline. Affected: no.

Illumina Laboratory Services, Illumina
Classification: Benign for Donnai-Barrow syndrome. Last evaluated: 2018-01-13. Review status: criteria provided, single submitter. Criteria: ICSL Variant Classification Criteria 13 December 2019. Collection method: clinical testing. Allele origin: germline.
Comment: This variant was observed in the ICSL laboratory as part of a predisposition screen in an ostensibly healthy population. It had not been previously curated by ICSL or reported in the Human Gene Mutation Database (HGMD: prior to June 1st, 2018), and was therefore a candidate for classification through an automated scoring system. Utilizing variant allele frequency, disease prevalence and penetrance estimates, and inheritance mode, an automated score was calculated to assess if this variant is too frequent to cause the disease. Based on the score and internal cut-off values, a variant classified as benign is not then subjected to further curation. The score for this variant resulted in a classification of benign for this disease.

PreventionGenetics, part of Exact Sciences
Classification: Benign for LRP2-related condition. Last evaluated: 2019-08-02. Review status: no assertion criteria provided. Collection method: clinical testing. Allele origin: germline. Not counted in ClinVar's aggregate classification.
Comment: This variant is classified as benign based on ACMG/AMP sequence variant interpretation guidelines (Richards et al. 2015 PMID: 25741868, with internal and published modifications).

NM_004525.3(LRP2):c.9234C>T (p.His3078=)

Gene: LRP2 (LDL receptor related protein 2; minus strand). Cytogenetic location: 2q31.1.
Variant type: single nucleotide variant.
Coding change: c.9234C>T on transcript NM_004525.3 (MANE Select); coding-DNA position 9234, C replaced by T.
Protein change: p.His3078=; no amino-acid change (histidine 3078 retained).
Molecular consequence: synonymous variant.
Genome position (GRCh38, 1-based): chr2:169,188,064, G>A on the plus strand (C>T on the coding strand, the complement: LRP2 is on the minus strand). VCF-style: chr2-169188064-G-A. GRCh37 (hg19) VCF-style: chr2-170044574-G-A.
Identifiers: ClinVar variation 332114 (VCV000332114.24), dbSNP rs116975392, ClinGen allele CA1953636.
Genomic context (GRCh38, chr2:169,188,064, plus strand): 5'-ATCTAGGTGGTTGCAGAGTTTCATCATCTCGATGCAGCGCCCATTGTCACACTTGAACTC[G>A]TGAGGTGGACACGTGGGTTCTGGGGTGTGGCACAGGTGCATCAGCTCATCAGATCCGTCT-3'
Protein context (NP_004516.2, residues 3068-3088): CHTPEPTCPP[His3078=]EFKCDNGRCI